The following is an entry in ClinVar:

NM_002691.4(POLD1):c.3076_3079del (p.Cys1026fs)

Gene: POLD1 (DNA polymerase delta 1, catalytic subunit; plus strand). Cytogenetic location: 19q13.33.
Variant type: Microsatellite.
Coding change: c.3076_3079del on transcript NM_002691.4 (MANE Select); coding-DNA positions 3076 to 3079, 4 bases deleted (TGTG; older notation c.3076_3079delTGTG).
Protein change: p.Cys1026fs; shifts the reading frame from cysteine 1026.
Molecular consequence: frameshift variant. On other transcripts: non-coding transcript variant (1).
Genome position (GRCh38, 1-based): chr19:50,417,053-50,417,056, TGTG deleted; deleting any 4 consecutive bases within chr19:50,417,050-50,417,056 gives the same sequence; the c. name uses the placement nearest the transcript's 3' end. VCF-style (leftmost placement, unchanged base first): chr19-50417049-CGTGT-C. GRCh37 (hg19) VCF-style: chr19-50920306-CGTGT-C.
Other names: c.3076_3079del, p.Cys1026fs (NM_001256849.1); c.3154_3157del, p.Cys1052fs (NM_001308632.1); short protein forms C1026fs, C1052fs.
Identifiers: ClinVar variation 3677687 (VCV003677687.2).

ClinVar aggregate classification (germline): Uncertain significance (1 of 4 stars; one submission).

Conditions:
POLD1-related polyposis and colorectal cancer syndrome (CRCS10). Also called: Colorectal cancer 10; COLORECTAL CANCER, SUSCEPTIBILITY TO, ON CHROMOSOME 19q; Colorectal cancer, susceptibility to, 10. Identifiers: Orphanet 220460, MedGen C2675481, MONDO:0012953, OMIM 612591.

Submission:

Labcorp Genetics (formerly Invitae), Labcorp
Classification: Uncertain significance for POLD1-related polyposis and colorectal cancer syndrome. Last evaluated: 2024-11-25. Review status: criteria provided, single submitter. Criteria: Invitae Variant Classification Sherloc (09022015). Collection method: clinical testing. Allele origin: germline.
Comment: Missense variants that disrupt the 3'-5' exonuclease (proof-reading) activity of the POLD1 protein are associated with PPAP (polymerase proofreading–associated polyposis) (PMID: 23263490, 23447401). However, loss-of-function variants that result in an absent or severely disrupted POLD1 protein, and missense variants outside the exonuclease domain, are unlikely to be associated with PPAP. It is expected to result in an absent or disrupted protein product. However, the current clinical and genetic evidence is not sufficient to establish whether loss-of-function variants in POLD1 cause disease. This variant is not present in population databases (gnomAD no frequency). This variant has not been reported in the literature in individuals affected with POLD1-related conditions. In summary, the available evidence is currently insufficient to determine the role of this variant in disease. Therefore, it has been classified as a Variant of Uncertain Significance.

Literature cited by the submitters: PubMed 23263490; PubMed 23447401.